The following is an entry in ClinVar:

ClinVar aggregate classification (germline): Likely pathogenic (1 of 4 stars; one submission).

Conditions:
Intellectual disability-microcephaly-strabismus-behavioral abnormalities syndrome. Also called: White-Sutton Syndrome. Identifiers: Orphanet 468678, MedGen C4225351, MONDO:0014606, OMIM 616364.

Submission:

3billion
Classification: Likely pathogenic for Intellectual disability-microcephaly-strabismus-behavioral abnormalities syndrome. Last evaluated: 2024-10-24. Review status: criteria provided, single submitter. Criteria: ACMG Guidelines, 2015. Collection method: clinical testing. Allele origin: germline. Affected: yes.
Comment: The variant is not observed in the gnomAD v4.1.0 dataset. Predicted Consequence/Location: Frameshift: predicted to result in a loss or disruption of normal protein function through nonsense-mediated decay (NMD) or protein truncation. Multiple pathogenic variants are reported downstream of the variant. Therefore, this variant is classified as Likely pathogenic according to the recommendation of ACMG/AMP guideline.

NM_015100.4(POGZ):c.1271dup (p.Ser425fs)

Gene: POGZ (pogo transposable element derived with ZNF domain; minus strand). Cytogenetic location: 1q21.3.
Variant type: Duplication.
Coding change: c.1271dup on transcript NM_015100.4 (MANE Select); coding-DNA position 1271, one base duplicated (C; older notation c.1271dupC).
Protein change: p.Ser425fs; shifts the reading frame from serine 425.
Molecular consequence: frameshift variant.
Genome position (GRCh38, 1-based): chr1:151,424,201, G duplicated on the plus strand (C on the coding strand, the reverse complement: POGZ is on the minus strand); the first of 5 consecutive G bases (chr1:151,424,201-151,424,205); duplicating any one gives the same sequence. VCF-style (leftmost placement, unchanged base first): chr1-151424200-T-TG. GRCh37 (hg19) VCF-style: chr1-151396676-T-TG.
Other names: c.1244dup, p.Ser416fs (NM_001194937.2); c.1085dup, p.Ser363fs (NM_001194938.2); c.1292dup, p.Ser432fs (NM_001410860.1); c.986dup, p.Ser330fs (NM_145796.4); c.1112dup, p.Ser372fs (NM_207171.2); short protein forms S330fs, S363fs, S372fs, S416fs, S425fs, S432fs.
Identifiers: ClinVar variation 4291717 (VCV004291717.1).
Genomic context (GRCh38, chr1:151,424,200, plus strand): 5'-CAGAGCAGGAATAGGTGTAGAAGAGGGTGTGGAAGCAACAGGAGCTGTTTTCTCAGGGGA[T>TG]GGGGGCTTTGCTGCTGATGGGACACTGGGTTCTGAATCCAGGGACTTTCCTTTCTTCTGG-3'